The following is an entry in ClinVar:

NM_014009.4(FOXP3):c.890G>C (p.Gly297Ala)

Gene: FOXP3 (forkhead box P3; minus strand). Cytogenetic location: Xp11.23.
Variant type: single nucleotide variant.
Coding change: c.890G>C on transcript NM_014009.4 (MANE Select); coding-DNA position 890, G replaced by C.
Protein change: p.Gly297Ala; replaces glycine 297 with alanine.
Molecular consequence: missense variant.
Genome position (GRCh38, 1-based): chrX:49,253,994, C>G on the plus strand (G>C on the coding strand, the complement: FOXP3 is on the minus strand). VCF-style: chrX-49253994-C-G. GRCh37 (hg19) VCF-style: chrX-49110455-C-G.
Other names: c.785G>C, p.Gly262Ala (NM_001114377.2); short protein forms G297A, G262A.
Identifiers: ClinVar variation 950829 (VCV000950829.9), dbSNP rs2066051349, ClinGen allele CA412950686.
Genomic context (GRCh38, chrX:49,253,994, plus strand): 5'-CCATGGCTACCCCACAGGTGCCTCCGGACAGCAAACAGGCTGTCAGGGGCCTCCCGGGGG[C>G]CAGACCAGGCTGGGACGACAGGGCCTTGGCTGCCAGCAGCTACGATGCAGCAGGAGCCCT-3'
Protein context (NP_054728.2, residues 287-307): SQGPVVPAWS[Gly297Ala]PREAPDSLFA

ClinVar aggregate classification (germline): Uncertain significance (1 of 4 stars; one submission).

Conditions:
Insulin-dependent diabetes mellitus secretory diarrhea syndrome (IPEX). Also called: IPEX and IPEX-Like; Immunodeficiency, Polyendocrinopathy, and Enteropathy X-Linked Syndrome; X-Linked Syndrome of Polyendocrinopathy, Immune Dysfunction, and Diarrhea; Immune dysregulation-polyendocrinopathy-enteropathy-X-linked syndrome; IMMUNODEFICIENCY, POLYENDOCRINOPATHY, AND ENTEROPATHY, X-LINKED; Immunodysregulation, polyendocrinopathy, and enteropathy, X-linked. Identifiers: Orphanet 37042, MedGen C0342288, MONDO:0010580, OMIM 304790. Disease mechanism: loss of function.

Submission:

Labcorp Genetics (formerly Invitae), Labcorp
Classification: Uncertain significance for Insulin-dependent diabetes mellitus secretory diarrhea syndrome. Last evaluated: 2019-06-19. Review status: criteria provided, single submitter. Criteria: Invitae Variant Classification Sherloc (09022015). Collection method: clinical testing. Allele origin: germline.
Comment: In summary, the available evidence is currently insufficient to determine the role of this variant in disease. Therefore, it has been classified as a Variant of Uncertain Significance. Algorithms developed to predict the effect of missense changes on protein structure and function output the following: SIFT: "Tolerated"; PolyPhen-2: "Benign"; Align-GVGD: "Class C0". The alanine amino acid residue is found in multiple mammalian species, suggesting that this missense change does not adversely affect protein function. These predictions have not been confirmed by published functional studies and their clinical significance is uncertain. This variant has not been reported in the literature in individuals with FOXP3-related conditions. This variant is not present in population databases (ExAC no frequency). This sequence change replaces glycine with alanine at codon 297 of the FOXP3 protein (p.Gly297Ala). The glycine residue is weakly conserved and there is a small physicochemical difference between glycine and alanine.